The following is an entry in ClinVar:

NM_006892.4(DNMT3B):c.583A>C (p.Ser195Arg)

Gene: DNMT3B (DNA methyltransferase 3 beta; plus strand). Cytogenetic location: 20q11.21.
Variant type: single nucleotide variant.
Coding change: c.583A>C on transcript NM_006892.4 (MANE Select); coding-DNA position 583, A replaced by C.
Protein change: p.Ser195Arg; replaces serine 195 with arginine.
Molecular consequence: missense variant.
Genome position (GRCh38, 1-based): chr20:32,787,380, A>C. VCF-style: chr20-32787380-A-C. GRCh37 (hg19) VCF-style: chr20-31375186-A-C.
Other names: c.457A>C, p.Ser153Arg (NM_001207055.2); c.355A>C, p.Ser119Arg (NM_001207056.2); c.583A>C, p.Ser195Arg (NM_175848.2, NM_175849.2); c.619A>C, p.Ser207Arg (NM_175850.3); short protein forms S153R, S195R, S119R, S207R.
Identifiers: ClinVar variation 958456 (VCV000958456.7), dbSNP rs1568840224, ClinGen allele CA408586785.
Genomic context (GRCh38, chr20:32,787,380, plus strand): 5'-GAGGACACACATGGGACGCCCCAGAGCAGCAGTACCCCCTACGCCCGCCTAGCCCAGGAC[A>C]GCCAGCAGGGGGGCATGGAGTCCCCGCAGGTGGAGGCAGACAGTGGAGATGGAGACAGTT-3'
Protein context (NP_008823.1, residues 185-205): STPYARLAQD[Ser195Arg]QQGGMESPQV

ClinVar aggregate classification (germline): Uncertain significance (1 of 4 stars; one submission).

Conditions:
Centromeric instability of chromosomes 1,9 and 16 and immunodeficiency (ICF1). Also called: Immunodeficiency-centromeric instability-facial anomalies; CENTROMERIC INSTABILITY, IMMUNODEFICIENCY SYNDROME; IMMUNE DEFICIENCY, VARIABLE, WITH CENTROMERIC INSTABILITY OF CHROMOSOMES 1, 9, AND 16; IMMUNODEFICIENCY SYNDROME, VARIABLE. Identifiers: Orphanet 2268, MedGen C0398788, MONDO:0000133.

Allele frequency attached by ClinVar (database versions not stated): gnomAD exomes below 0.00001.

Submission:

Labcorp Genetics (formerly Invitae), Labcorp
Classification: Uncertain significance for Centromeric instability of chromosomes 1,9 and 16 and immunodeficiency. Last evaluated: 2021-08-27. Review status: criteria provided, single submitter. Criteria: Invitae Variant Classification Sherloc (09022015). Collection method: clinical testing. Allele origin: germline.
Comment: This sequence change replaces serine with arginine at codon 195 of the DNMT3B protein (p.Ser195Arg). The serine residue is moderately conserved and there is a moderate physicochemical difference between serine and arginine. This variant is not present in population databases (ExAC no frequency). This variant has not been reported in the literature in individuals affected with DNMT3B-related conditions. Algorithms developed to predict the effect of missense changes on protein structure and function are either unavailable or do not agree on the potential impact of this missense change (SIFT: "Tolerated"; PolyPhen-2: "Possibly Damaging"; Align-GVGD: "Class C0"). In summary, the available evidence is currently insufficient to determine the role of this variant in disease. Therefore, it has been classified as a Variant of Uncertain Significance.